The following is an entry in ClinVar:

ClinVar aggregate classification (germline): Pathogenic (1 of 4 stars; one submission).

Conditions:
Methylmalonic acidemia due to methylmalonyl-CoA epimerase deficiency. Also called: Methylmalonyl-CoA Epimerase Deficiency; METHYLMALONYL-CoA RACEMASE DEFICIENCY; METHYLMALONIC ACIDURIA III. Identifiers: Orphanet 308425, MedGen C1855100, MONDO:0009615, OMIM 251120.

Submission:

Labcorp Genetics (formerly Invitae), Labcorp
Classification: Pathogenic for Methylmalonic acidemia due to methylmalonyl-CoA epimerase deficiency. Last evaluated: 2024-02-26. Review status: criteria provided, single submitter. Criteria: Invitae Variant Classification Sherloc (09022015). Collection method: clinical testing. Allele origin: germline.
Comment: This sequence change creates a premature translational stop signal (p.Ser17Phefs*50) in the MCEE gene. It is expected to result in an absent or disrupted protein product. Loss-of-function variants in MCEE are known to be pathogenic (PMID: 16697227, 16752391, 30682498). This variant is not present in population databases (gnomAD no frequency). This variant has not been reported in the literature in individuals affected with MCEE-related conditions. For these reasons, this variant has been classified as Pathogenic.

Literature cited by the submitters: PubMed 16697227; PubMed 16752391; PubMed 30682498.

NM_032601.4(MCEE):c.49dup (p.Ser17fs)

Gene: MCEE (methylmalonyl-CoA epimerase; minus strand). Cytogenetic location: 2p13.3.
Variant type: Duplication.
Coding change: c.49dup on transcript NM_032601.4 (MANE Select); coding-DNA position 49, one base duplicated (T; older notation c.49dupT).
Protein change: p.Ser17fs; shifts the reading frame from serine 17.
Molecular consequence: frameshift variant.
Genome position (GRCh38, 1-based): chr2:71,124,535, A duplicated on the plus strand (T on the coding strand, the reverse complement: MCEE is on the minus strand); the first of 6 consecutive A bases (chr2:71,124,535-71,124,540); duplicating any one gives the same sequence. VCF-style (leftmost placement, unchanged base first): chr2-71124534-G-GA. GRCh37 (hg19) VCF-style: chr2-71351664-G-GA.
Other names: short protein forms S17fs.
Identifiers: ClinVar variation 2992461 (VCV002992461.3), dbSNP rs1359411004, ClinGen allele CA892637774.